The following is an entry in ClinVar:

NC_000004.12:g.16226530GCCCC[3]

Genes: TAPT1 (transmembrane anterior posterior transformation 1; minus strand), LOC129992297 (ATAC-STARR-seq lymphoblastoid silent region 15305; plus strand). Cytogenetic location: 4p15.32.
Variant type: Microsatellite.
Genome position: GRCh38 VCF-style: chr4-16226528-T-TCGCCC. GRCh37 (hg19) VCF-style: chr4-16228151-T-TCGCCC.
Identifiers: ClinVar variation 1707146 (VCV001707146.3), dbSNP rs1186193240, ClinGen allele CA550000704.

ClinVar aggregate classification (germline): Likely benign (1 of 4 stars; one submission).

Submission:

GeneDx
Classification: Likely benign. Last evaluated: 2019-08-20. Review status: criteria provided, single submitter. Criteria: GeneDx Variant Classification Process June 2021. Collection method: clinical testing. Allele origin: germline. Affected: yes.
Comment: See Variant Classification Assertion Criteria.